The following is an entry in ClinVar:

NM_001303052.2(MYT1L):c.672A>C (p.Glu224Asp)

Gene: MYT1L (myelin transcription factor 1 like; minus strand). Cytogenetic location: 2p25.3.
Variant type: single nucleotide variant.
Coding change: c.672A>C on transcript NM_001303052.2 (MANE Select); coding-DNA position 672, A replaced by C.
Protein change: p.Glu224Asp; replaces glutamic acid 224 with aspartic acid.
Molecular consequence: missense variant.
Genome position (GRCh38, 1-based): chr2:1,923,097, T>G on the plus strand (A>C on the coding strand, the complement: MYT1L is on the minus strand). VCF-style: chr2-1923097-T-G. GRCh37 (hg19) VCF-style: chr2-1926869-T-G.
Other names: c.672A>C, p.Glu224Asp (NM_001329844.2, NM_001329845.1, NM_001329846.3 and 6 more transcripts); short protein forms E224D.
Identifiers: ClinVar variation 1299604 (VCV001299604.11), dbSNP rs961550417, ClinGen allele CA41426819.
Genomic context (GRCh38, chr2:1,923,097, plus strand): 5'-ACCCAGGTTTTCGTTTTTGTCACTATCGTCTTCCAGACTATTGGAGGTATTGCTGTTCAT[T>G]TCTGACTCAGTCCTGGCCCGGTAGGCTGCATCCTCAGCGATTTTGCCGAGGTTTAACAAT-3'
Protein context (NP_001289981.1, residues 214-234): DAAYRARTES[Glu224Asp]MNSNTSNSLE

ClinVar aggregate classification (germline): Uncertain significance. Review status: criteria provided, multiple submitters, no conflicts (2 of 4 stars). 3 submissions from 3 submitters: Uncertain significance (3). Last evaluated 2026-01-01.

Conditions:
Intellectual developmental disorder, autosomal dominant 39. Also called: Mental retardation, autosomal dominant 39; Intellectual disability, autosomal dominant 39. Identifiers: MedGen C4225296, MONDO:0014678, OMIM 616521.

Allele frequency attached by ClinVar (database versions not stated): TOPMed 0.00001; gnomAD exomes below 0.00001; gnomAD 0.00001.
gnomAD v4.1: 14 of 1,613,926 alleles (0.00087%); highest among the groups gnomAD compares: Non-Finnish European, 0.0012%; no homozygotes.

Submissions (3):

CeGaT Center for Human Genetics Tuebingen
Classification: Uncertain significance. Last evaluated: 2026-01-01. Review status: criteria provided, single submitter. Criteria: CeGaT Center For Human Genetics Tuebingen Variant Classification Criteria Version 2. Collection method: clinical testing. Allele origin: germline. Affected: yes. Observed: 1 variant allele.

Labcorp Genetics (formerly Invitae), Labcorp
Classification: Uncertain significance. Last evaluated: 2024-05-22. Review status: criteria provided, single submitter. Criteria: Invitae Variant Classification Sherloc (09022015). Collection method: clinical testing. Allele origin: germline.
Comment: This sequence change replaces glutamic acid, which is acidic and polar, with aspartic acid, which is acidic and polar, at codon 224 of the MYT1L protein (p.Glu224Asp). This variant is present in population databases (no rsID available, gnomAD 0.0009%). This variant has not been reported in the literature in individuals affected with MYT1L-related conditions. ClinVar contains an entry for this variant (Variation ID: 1299604). Advanced modeling of protein sequence and biophysical properties (such as structural, functional, and spatial information, amino acid conservation, physicochemical variation, residue mobility, and thermodynamic stability) performed at Invitae indicates that this missense variant is expected to disrupt MYT1L protein function with a positive predictive value of 80%. In summary, the available evidence is currently insufficient to determine the role of this variant in disease. Therefore, it has been classified as a Variant of Uncertain Significance.

Laboratory of Medical Genetics, National & Kapodistrian University of Athens
Classification: Uncertain significance for Intellectual developmental disorder, autosomal dominant 39. Last evaluated: 2021-10-06. Review status: criteria provided, single submitter. Criteria: ACMG Guidelines, 2015. Collection method: clinical testing. Allele origin: paternal.
Comment: PM2, PP2, PP3